The following is an entry in ClinVar:

ClinVar aggregate classification (germline): Pathogenic (1 of 4 stars; one submission).

Conditions:
Cerebral cavernous malformation (CCM). Also called: Cerebral cavernous malformations; CAVERNOUS ANGIOMA, FAMILIAL; CAVERNOUS ANGIOMATOUS MALFORMATIONS; CEREBRAL CAPILLARY MALFORMATIONS; Cerebral cavernous hemangioma (type); Cavernous Hemangioma of Brain. Identifiers: Orphanet 221061, MedGen C2919945, MONDO:0000820, OMIM 116860, HP:0033522.

Submission:

Labcorp Genetics (formerly Invitae), Labcorp
Classification: Pathogenic for Cerebral cavernous malformation. Last evaluated: 2021-01-11. Review status: criteria provided, single submitter. Criteria: Invitae Variant Classification Sherloc (09022015). Collection method: clinical testing. Allele origin: germline.
Comment: For these reasons, this variant has been classified as Pathogenic. This variant has not been reported in the literature in individuals with KRIT1-related conditions. This variant is a gross deletion of the genomic region encompassing exon(s) 17-18 of the KRIT1 gene. This deletion is out-of-frame, and is expected to create a premature translational stop signal and result in an absent or disrupted protein product. Loss-of-function variants in KRIT1 are known to be pathogenic (PMID: 10508515, 11222804, 12404106, 24689081).

Literature cited by the submitters: PubMed 10508515; PubMed 11222804; PubMed 12404106; PubMed 24689081.

NC_000007.13:g.(?_91842489)_(91843313_?)del

Gene: KRIT1 (KRIT1 ankyrin repeat containing; minus strand). Cytogenetic location: 7q21.2.
Variant type: Deletion.
Identifiers: ClinVar variation 1460275 (VCV001460275.7).